The following is an entry in ClinVar:

NM_001290321.3(DMXL1):c.5777A>G (p.Gln1926Arg)

Gene: DMXL1 (Dmx like 1; plus strand). Cytogenetic location: 5q23.1.
Variant type: single nucleotide variant.
Coding change: c.5777A>G on transcript NM_001290321.3 (MANE Select); coding-DNA position 5777, A replaced by G.
Protein change: p.Gln1926Arg; replaces glutamine 1926 with arginine.
Molecular consequence: missense variant. On other transcripts: non-coding transcript variant (3).
Genome position (GRCh38, 1-based): chr5:119,170,568, A>G. VCF-style: chr5-119170568-A-G. GRCh37 (hg19) VCF-style: chr5-118506263-A-G.
Other names: c.5777A>G, p.Gln1926Arg (NM_001349239.2, NM_001349240.2, NM_001387933.1 and 2 more transcripts); c.5072A>G, p.Gln1691Arg (NM_001387937.1); c.4790A>G, p.Gln1597Arg (NM_001387938.1); c.5777A>G (NM_001290321.2); short protein forms Q1926R, Q1597R, Q1691R.
Identifiers: ClinVar variation 768027 (VCV000768027.5), dbSNP rs80082794, ClinGen allele CA3380441.

ClinVar aggregate classification (germline): Benign. Review status: criteria provided, single submitter (1 of 4 stars). 2 submissions from 2 submitters: Benign (1). 1 of the submissions does not count toward it. Last evaluated 2018-07-23.

Conditions:
DMXL1-related disorder. Also called: DMXL1-related condition.

Allele frequency attached by ClinVar (database versions not stated): gnomAD exomes 0.00109 and 0.00293; ExAC 0.00368; gnomAD 0.01102 and 0.01191; 1000 Genomes Project 0.01178; TOPMed 0.01283; 1000 Genomes Project 30x 0.01296; ESP Exome Variant Server 0.01338.
gnomAD v4.1: 3,355 of 1,613,948 alleles (0.21%); highest among the groups gnomAD compares: African/African-American, 3.8%; 65 homozygotes.

Submissions (2):

Labcorp Genetics (formerly Invitae), Labcorp
Classification: Benign. Last evaluated: 2018-07-23. Review status: criteria provided, single submitter. Criteria: Invitae Variant Classification Sherloc (09022015). Collection method: clinical testing. Allele origin: germline.

PreventionGenetics, part of Exact Sciences
Classification: Benign for DMXL1-related condition. Last evaluated: 2019-02-20. Review status: no assertion criteria provided. Collection method: clinical testing. Allele origin: germline. Not counted in ClinVar's aggregate classification.
Comment: This variant is classified as benign based on ACMG/AMP sequence variant interpretation guidelines (Richards et al. 2015 PMID: 25741868, with internal and published modifications).